The following is an entry in ClinVar:

NM_000138.5(FBN1):c.3759G>C (p.Gln1253His)

Gene: FBN1 (fibrillin 1; minus strand). Cytogenetic location: 15q21.1.
Variant type: single nucleotide variant.
Coding change: c.3759G>C on transcript NM_000138.5 (MANE Select); coding-DNA position 3759, G replaced by C.
Protein change: p.Gln1253His; replaces glutamine 1253 with histidine.
Molecular consequence: missense variant.
Genome position (GRCh38, 1-based): chr15:48,483,897, C>G on the plus strand (G>C on the coding strand, the complement: FBN1 is on the minus strand). VCF-style: chr15-48483897-C-G. GRCh37 (hg19) VCF-style: chr15-48776094-C-G.
Other names: short protein forms Q1253H.
Identifiers: ClinVar variation 1058847 (VCV001058847.10), dbSNP rs2141289701, ClinGen allele CA392323994.

ClinVar aggregate classification (germline): Uncertain significance. Review status: criteria provided, multiple submitters, no conflicts (2 of 4 stars). 2 submissions from 2 submitters: Uncertain significance (2). Last evaluated 2024-04-25.

Conditions:
Marfan syndrome (MFS). Also called: FBN1-Related Marfan Syndrome; MARFAN SYNDROME, TYPE I; Marfan syndrome type 1; Marfan's syndrome; Marfan syndrome, classic. Identifiers: Orphanet 284963, Orphanet 558, MedGen C0024796, MONDO:0007947, OMIM 154700.
Familial thoracic aortic aneurysm and aortic dissection (TAAD). Also called: Thoracic aortic aneurysms and dissections. Identifiers: Orphanet 91387, MedGen C4707243, MONDO:0019625.

Submissions (2):

All of Us Research Program, National Institutes of Health
Classification: Uncertain significance for Marfan syndrome. Last evaluated: 2024-04-25. Review status: criteria provided, single submitter. Criteria: ACMG Guidelines, 2015. Collection method: clinical testing. Allele origin: germline. Inheritance: Autosomal dominant inheritance. Observed: 1 variant allele, 1 heterozygote.
Comment: This missense variant replaces glutamine with histidine at codon 1253 of the FBN1 protein. Computational prediction is inconclusive regarding the impact of this variant on protein structure and function (internally defined REVEL score threshold 0.5 < inconclusive < 0.7, PMID: 27666373). To our knowledge, functional studies have not been reported for this variant. This variant has not been reported in individuals affected with FBN1-related disorders in the literature. This variant has not been identified in the general population by the Genome Aggregation Database (gnomAD). The available evidence is insufficient to determine the role of this variant in disease conclusively. Therefore, this variant is classified as a Variant of Uncertain Significance.

This study involves interpretation of variants in research participants for the purpose of population health screening. Participant phenotype was not available at the time of variant classification. Additional details can be found in publication PMID: 35346344, PMCID: PMC8962531

Labcorp Genetics (formerly Invitae), Labcorp
Classification: Uncertain significance for Marfan syndrome; Familial thoracic aortic aneurysm and aortic dissection. Last evaluated: 2020-04-27. Review status: criteria provided, single submitter. Criteria: Invitae Variant Classification Sherloc (09022015). Collection method: clinical testing. Allele origin: germline.
Comment: This variant has not been reported in the literature in individuals with FBN1-related conditions. This variant is not present in population databases (ExAC no frequency). This sequence change replaces glutamine with histidine at codon 1253 of the FBN1 protein (p.Gln1253His). The glutamine residue is highly conserved and there is a small physicochemical difference between glutamine and histidine. Algorithms developed to predict the effect of missense changes on protein structure and function are either unavailable or do not agree on the potential impact of this missense change (SIFT: "Deleterious"; PolyPhen-2: "Probably Damaging"; Align-GVGD: "Class C15"). In summary, the available evidence is currently insufficient to determine the role of this variant in disease. Therefore, it has been classified as a Variant of Uncertain Significance.